The following is an entry in ClinVar:

ClinVar aggregate classification (germline): Likely benign. Review status: criteria provided, multiple submitters, no conflicts (2 of 4 stars). 3 submissions from 3 submitters: Likely benign (2). 1 of the submissions does not count toward it. Last evaluated 2026-02-03.

Conditions:
Autosomal recessive limb-girdle muscular dystrophy type 2J (LGMDR10). Also called: MUSCULAR DYSTROPHY, LIMB-GIRDLE, AUTOSOMAL RECESSIVE 10; Limb-girdle muscular dystrophy, type 2J. Identifiers: Orphanet 140922, MedGen C1837342, MONDO:0012127, OMIM 608807.
Dilated cardiomyopathy 1G (CMD1G). Identifiers: Orphanet 154, MedGen C1858763, MONDO:0011400, OMIM 604145.
TTN-related disorder. Also called: TTN-related disorders; TTN-related condition; TTN-related disease.

Allele frequency attached by ClinVar (database versions not stated): ExAC 0.00002; gnomAD 0.00013; 1000 Genomes Project 30x 0.00109.

Submissions (3):

Labcorp Genetics (formerly Invitae), Labcorp
Classification: Likely benign for Dilated cardiomyopathy 1G; Autosomal recessive limb-girdle muscular dystrophy type 2J. Last evaluated: 2026-02-03. Review status: criteria provided, single submitter. Criteria: Invitae Variant Classification Sherloc (09022015). Collection method: clinical testing. Allele origin: germline.

Laboratory of Genetics, Children's Clinical University Hospital Latvia
Classification: Likely benign. Last evaluated: 2025-02-16. Review status: criteria provided, single submitter. Criteria: ACMG Guidelines, 2015. Collection method: clinical testing. Allele origin: germline. Affected: yes.

PreventionGenetics, part of Exact Sciences
Classification: Likely benign for TTN-related condition. Last evaluated: 2023-10-10. Review status: no assertion criteria provided. Collection method: clinical testing. Allele origin: germline. Not counted in ClinVar's aggregate classification.
Comment: This variant is classified as likely benign based on ACMG/AMP sequence variant interpretation guidelines (Richards et al. 2015 PMID: 25741868, with internal and published modifications).

NM_001267550.2(TTN):c.38733C>T (p.Val12911=)

Gene: TTN (titin; minus strand). Cytogenetic location: 2q31.2.
Variant type: single nucleotide variant.
Coding change: c.38733C>T on transcript NM_001267550.2 (MANE Select); coding-DNA position 38733, C replaced by T.
Protein change: p.Val12911=; no amino-acid change (valine 12911 retained).
Molecular consequence: synonymous variant. On other transcripts: intron variant (5).
Genome position (GRCh38, 1-based): chr2:178,653,296, G>A on the plus strand (C>T on the coding strand, the complement: TTN is on the minus strand). VCF-style: chr2-178653296-G-A. GRCh37 (hg19) VCF-style: chr2-179518023-G-A.
Other names: c.13283-10979C>T (NM_003319.4); c.13859-10979C>T (NM_133437.4); c.13658-10979C>T (NM_133432.3); c.31742-755C>T (NM_133378.4); c.34523-755C>T (NM_001256850.1).
Identifiers: ClinVar variation 772015 (VCV000772015.12), dbSNP rs760384854, ClinGen allele CA1997073.
Genomic context (GRCh38, chr2:178,653,296, plus strand): 5'-ACCTTTAACAGGTGGGACTTCAGGCTTTTTAGGAGGAGCCAAGGGCACTTTCTTTTCAAG[G>A]ACAACTTCTTTGGGAGCCTCTGGCACTTAAAAGATATTAGTAAAGTTACATGTAGAGCTA-3'
Protein context (NP_001254479.2, residues 12901-12921): VTVPEAPKEV[Val12911=]LEKKVPLAPP